The following is an entry in ClinVar:

NM_138386.3(NAF1):c.1096A>G (p.Lys366Glu)

Gene: NAF1 (nuclear assembly factor 1 ribonucleoprotein; minus strand). Cytogenetic location: 4q32.2.
Variant type: single nucleotide variant.
Coding change: c.1096A>G on transcript NM_138386.3 (MANE Select); coding-DNA position 1096, A replaced by G.
Protein change: p.Lys366Glu; replaces lysine 366 with glutamic acid.
Molecular consequence: missense variant. On other transcripts: intron variant (1).
Genome position (GRCh38, 1-based): chr4:163,129,286, T>C on the plus strand (A>G on the coding strand, the complement: NAF1 is on the minus strand). VCF-style: chr4-163129286-T-C. GRCh37 (hg19) VCF-style: chr4-164050438-T-C.
Other names: c.1034-2171A>G (NM_001128931.2); short protein forms K366E.
Identifiers: ClinVar variation 3618223 (VCV003618223.2).

ClinVar aggregate classification (germline): Uncertain significance (1 of 4 stars; one submission).

gnomAD v4.1: 23 of 1,614,144 alleles (0.0014%); highest among the groups gnomAD compares: Non-Finnish European, 0.0019%; no homozygotes.

Submission:

Labcorp Genetics (formerly Invitae), Labcorp
Classification: Uncertain significance. Last evaluated: 2024-03-18. Review status: criteria provided, single submitter. Criteria: Invitae Variant Classification Sherloc (09022015). Collection method: clinical testing. Allele origin: germline.
Comment: This sequence change replaces lysine, which is basic and polar, with glutamic acid, which is acidic and polar, at codon 366 of the NAF1 protein (p.Lys366Glu). This variant is present in population databases (rs761280752, gnomAD 0.0009%). This variant has not been reported in the literature in individuals affected with NAF1-related conditions. An algorithm developed to predict the effect of missense changes on protein structure and function (PolyPhen-2) suggests that this variant is likely to be tolerated. In summary, the available evidence is currently insufficient to determine the role of this variant in disease. Therefore, it has been classified as a Variant of Uncertain Significance.